The following is an entry in ClinVar:

ClinVar aggregate classification (germline): Likely benign (1 of 4 stars; one submission).

Submission:

CeGaT Center for Human Genetics Tuebingen
Classification: Likely benign. Last evaluated: 2023-01-01. Review status: criteria provided, single submitter. Criteria: CeGaT Center For Human Genetics Tuebingen Variant Classification Criteria Version 2. Collection method: clinical testing. Allele origin: germline. Affected: yes. Observed: 1 variant allele.
Comment: KIF14: PM2:Supporting, BP4, BP7

NM_014875.3(KIF14):c.3705G>A (p.Glu1235=)

Gene: KIF14 (kinesin family member 14; minus strand). Cytogenetic location: 1q32.1.
Variant type: single nucleotide variant.
Coding change: c.3705G>A on transcript NM_014875.3 (MANE Select); coding-DNA position 3705, G replaced by A.
Protein change: p.Glu1235=; no amino-acid change (glutamic acid 1235 retained).
Molecular consequence: synonymous variant.
Genome position (GRCh38, 1-based): chr1:200,565,626, C>T on the plus strand (G>A on the coding strand, the complement: KIF14 is on the minus strand). VCF-style: chr1-200565626-C-T. GRCh37 (hg19) VCF-style: chr1-200534754-C-T.
Other names: c.2232G>A, p.Glu744= (NM_001305792.1).
Identifiers: ClinVar variation 2639718 (VCV002639718.24), dbSNP rs2527318201, ClinGen allele CA422810401.